The following is an entry in ClinVar:

NM_015506.3(MMACHC):c.542_545dup (p.Cys182Ter)

Gene: MMACHC (metabolism of cobalamin associated C; plus strand). Cytogenetic location: 1p34.1.
Variant type: Duplication.
Coding change: c.542_545dup on transcript NM_015506.3 (MANE Select); coding-DNA positions 542 to 545, 4 bases duplicated (ACTG; older notation c.542_545dupACTG).
Protein change: p.Cys182Ter; replaces cysteine 182 with a stop codon.
Molecular consequence: nonsense.
Genome position (GRCh38, 1-based): chr1:45,508,908-45,508,911, ACTG duplicated; duplicating any 4 consecutive bases within chr1:45,508,906-45,508,911 gives the same sequence; the c. name uses the placement nearest the transcript's 3' end. VCF-style (leftmost placement, unchanged base first): chr1-45508905-A-ATGAC. GRCh37 (hg19) VCF-style: chr1-45974577-A-ATGAC.
Other names: c.371_374dup, p.Cys125Ter (NM_001330540.2); c.542_545dup (NM_015506.2); short protein forms C125*, C182*.
Identifiers: ClinVar variation 2676620 (VCV002676620.5), dbSNP rs2522827461, ClinGen allele CA2695198018.

ClinVar aggregate classification (germline): Pathogenic/Likely pathogenic. Review status: criteria provided, multiple submitters, no conflicts (2 of 4 stars). 3 submissions from 3 submitters: Pathogenic (1); Likely pathogenic (2). Last evaluated 2024-07-18.

Conditions:
Cobalamin C disease. Also called: methylmalonic aciduria and homocystinuria type cblC; Cobalamin-C methylmalonic acidemia and homocystinuria; Methylmalonic acidemia and homocystinuria cblC type; Methylmalonic aciduria and homocystinuria, Vitamin B12-responsive; Vitamin B12 metabolic defect with combined deficiency of methylmalonyl-CoA mutase and homocysteine:methyltetrahydrofolate methyltransferase; Methylmalonic aciduria with homocystinuria cblC type. Identifiers: Orphanet 26, Orphanet 79282, MedGen C1848561, MONDO:0010184, OMIM 277400.

Submissions (3):

Natera, Inc.
Classification: Likely pathogenic for Methylmalonic aciduria and homocystinuria cblC type. Last evaluated: 2024-07-18. Review status: criteria provided, single submitter. Criteria: Natera Variant Classification Schema (03/2026). Collection method: clinical testing. Allele origin: germline.
Comment: The c.542_545dup variant in MMACHC is a frameshift variant predicted to shift the reading frame and introduce a stop codon. This variant is expected to result in nonsense mediated decay, truncation, or a dysfunctional protein product. This variant is rare in the general population with a frequency below the threshold expected for the associated phenotype(s). Given the available evidence, this variant is classified as Likely Pathogenic.

Baylor Genetics
Classification: Likely pathogenic for Cobalamin C disease. Last evaluated: 2023-09-19. Review status: criteria provided, single submitter. Criteria: ACMG Guidelines, 2015. Collection method: clinical testing. Allele origin: unknown.

Labcorp Genetics (formerly Invitae), Labcorp
Classification: Pathogenic for Cobalamin C disease. Last evaluated: 2023-05-31. Review status: criteria provided, single submitter. Criteria: Invitae Variant Classification Sherloc (09022015). Collection method: clinical testing. Allele origin: germline.
Comment: This variant disrupts a region of the MMACHC protein in which other variant(s) (p.Tyr222*) have been determined to be pathogenic (PMID: 16311595, 19767224, 30157807). This suggests that this is a clinically significant region of the protein, and that variants that disrupt it are likely to be disease-causing. For these reasons, this variant has been classified as Pathogenic. This variant has not been reported in the literature in individuals affected with MMACHC-related conditions. This variant is not present in population databases (gnomAD no frequency). This sequence change creates a premature translational stop signal (p.Cys182*) in the MMACHC gene. While this is not anticipated to result in nonsense mediated decay, it is expected to disrupt the last 101 amino acid(s) of the MMACHC protein.

Literature cited by the submitters: PubMed 16311595 (cited by Labcorp Genetics (formerly Invitae), Labcorp); PubMed 19767224 (cited by Labcorp Genetics (formerly Invitae), Labcorp); PubMed 30157807 (cited by Labcorp Genetics (formerly Invitae), Labcorp).